The following is an entry in ClinVar:

ClinVar aggregate classification (germline): Conflicting classifications of pathogenicity. Review status: criteria provided, conflicting classifications (1 of 4 stars). 2 submissions from 2 submitters: Uncertain significance (1); Likely benign (1). Last evaluated 2023-08-15.

Conditions:
Aortic aneurysm, familial thoracic 4 (AAT4). Also called: AORTIC ANEURYSM/AORTIC DISSECTION AND PATENT DUCTUS ARTERIOSUS. Identifiers: MedGen C1851504, MONDO:0007568, OMIM 132900.
Familial thoracic aortic aneurysm and aortic dissection (TAAD). Also called: Thoracic aortic aneurysms and dissections. Identifiers: Orphanet 91387, MedGen C4707243, MONDO:0019625.

Allele frequency attached by ClinVar (database versions not stated): ExAC 0.00001.
gnomAD v4.1: 3 of 1,614,208 alleles (0.00019%); highest among the groups gnomAD compares: South Asian, 0.0033%; no homozygotes.

Submissions (2):

All of Us Research Program, National Institutes of Health
Classification: Uncertain significance for Familial thoracic aortic aneurysm and aortic dissection. Last evaluated: 2023-08-15. Review status: criteria provided, single submitter. Criteria: ACMG Guidelines, 2015. Collection method: clinical testing. Allele origin: germline. Inheritance: Autosomal dominant inheritance. Observed: 1 variant allele, 1 heterozygote.
Comment: This variant is located in the MYH11 protein. To our knowledge, functional studies have not been reported for this variant. This variant has not been reported in individuals affected with MYH11-related disorders in the literature. This variant has been identified in 1/251418 chromosomes in the general population by the Genome Aggregation Database (gnomAD). The available evidence is insufficient to determine the role of this variant in disease conclusively. Therefore, this variant is classified as a Variant of Uncertain Significance.

This study involves interpretation of variants in research participants for the purpose of population health screening. Participant phenotype was not available at the time of variant classification. Additional details can be found in publication PMID: 35346344, PMCID: PMC8962531

Labcorp Genetics (formerly Invitae), Labcorp
Classification: Likely benign for Aortic aneurysm, familial thoracic 4. Last evaluated: 2023-06-17. Review status: criteria provided, single submitter. Criteria: Invitae Variant Classification Sherloc (09022015). Collection method: clinical testing. Allele origin: germline.

NM_002474.3(MYH11):c.1537C>T (p.Leu513=)

Gene: MYH11 (myosin heavy chain 11; minus strand). Cytogenetic location: 16p13.11.
Variant type: single nucleotide variant.
Coding change: c.1537C>T on transcript NM_002474.3 (MANE Select); coding-DNA position 1537, C replaced by T.
Protein change: p.Leu513=; no amino-acid change (leucine 513 retained).
Molecular consequence: synonymous variant.
Genome position (GRCh38, 1-based): chr16:15,757,865, G>A on the plus strand (C>T on the coding strand, the complement: MYH11 is on the minus strand). VCF-style: chr16-15757865-G-A. GRCh37 (hg19) VCF-style: chr16-15851722-G-A.
Other names: c.1558C>T, p.Leu520= (NM_001040113.2, NM_001040114.2); c.1537C>T, p.Leu513= (NM_022844.3).
Identifiers: ClinVar variation 2959231 (VCV002959231.4), dbSNP rs779436531, ClinGen allele CA7922593.
Genomic context (GRCh38, chr16:15,757,865, plus strand): 5'-CGCACGCCCACGTGCCCCTCACCGGTCGCTCGATGAGCTCGATGCAGGGCTGTAGGTCCA[G>A]CCCAAAGTCGATGAAGTTCCACTCGATGCCCTCGCGCTGGTACTCCTCCTGCTCCAGGAT-3'
Protein context (NP_002465.1, residues 503-523): GIEWNFIDFG[Leu513=]DLQPCIELIE